The following is an entry in ClinVar:

ClinVar aggregate classification (germline): Benign (1 of 4 stars; one submission).

Allele frequency attached by ClinVar (database versions not stated): gnomAD 0.16277 and 0.16645; TOPMed 0.17890; 1000 Genomes Project 0.19649; 1000 Genomes Project 30x 0.20534.
gnomAD v4.1: 24,642 of 151,858 alleles (16%); highest among the groups gnomAD compares: African/African-American, 34%; 3,055 homozygotes.

Submission:

GeneDx
Classification: Benign. Last evaluated: 2018-06-19. Review status: criteria provided, single submitter. Criteria: GeneDx Variant Classification (06012015). Collection method: clinical testing. Allele origin: germline. Affected: yes.
Comment: This variant is considered likely benign or benign based on one or more of the following criteria: it is a conservative change, it occurs at a poorly conserved position in the protein, it is predicted to be benign by multiple in silico algorithms, and/or has population frequency not consistent with disease.

NM_012434.5(SLC17A5):c.820-233C>T

Gene: SLC17A5 (solute carrier family 17 member 5; minus strand). Cytogenetic location: 6q13.
Variant type: single nucleotide variant.
Coding change: c.820-233C>T on transcript NM_012434.5 (MANE Select); 233 bases into the intron before coding-DNA position 820, C replaced by T.
Molecular consequence: intron variant.
Genome position (GRCh38, 1-based): chr6:73,622,195, G>A on the plus strand (C>T on the coding strand, the complement: SLC17A5 is on the minus strand). VCF-style: chr6-73622195-G-A. GRCh37 (hg19) VCF-style: chr6-74331918-G-A.
Identifiers: ClinVar variation 672085 (VCV000672085.1), dbSNP rs580531, ClinGen allele CA140963442.